The following is an entry in ClinVar:

NM_000051.4(ATM):c.2585C>G (p.Pro862Arg)

Gene: ATM (ATM serine/threonine kinase; plus strand). Cytogenetic location: 11q22.3.
Variant type: single nucleotide variant.
Coding change: c.2585C>G on transcript NM_000051.4 (MANE Select); coding-DNA position 2585, C replaced by G.
Protein change: p.Pro862Arg; replaces proline 862 with arginine.
Molecular consequence: missense variant.
Genome position (GRCh38, 1-based): chr11:108,267,289, C>G. VCF-style: chr11-108267289-C-G. GRCh37 (hg19) VCF-style: chr11-108138016-C-G.
Other names: c.2585C>G, p.Pro862Arg (NM_001351834.2); short protein forms P862R.
Identifiers: ClinVar variation 1793422 (VCV001793422.3), dbSNP rs1565416725, ClinGen allele CA382543981.
Genomic context (GRCh38, chr11:108,267,289, plus strand): 5'-CTAATGGAAATCTAATGGAGGTGGAGGATCAGTCATCCATGAATCTATTTAACGATTACC[C>G]TGATAGTAGTGTTAGTGATGCAAACGAACCTGGAGAGAGCCAAAGTACCATAGGTAAATA-3'
Protein context (NP_000042.3, residues 852-872): QSSMNLFNDY[Pro862Arg]DSSVSDANEP

ClinVar aggregate classification (germline): Uncertain significance (1 of 4 stars; one submission).

Conditions:
Hereditary cancer-predisposing syndrome. Also called: Tumor predisposition; Hereditary Cancer Syndrome; Neoplastic Syndromes, Hereditary; Hereditary neoplastic syndrome. Identifiers: Orphanet 140162, MedGen C0027672, MeSH D009386, MONDO:0015356.

Allele frequency attached by ClinVar (database versions not stated): gnomAD exomes below 0.00001.
gnomAD v4.1: 1 of 1,614,028 alleles (0.000062%); highest among the groups gnomAD compares: Non-Finnish European, 0.000085%; no homozygotes.

Submission:

Ambry Genetics
Classification: Uncertain significance for Hereditary cancer-predisposing syndrome. Last evaluated: 2025-09-19. Review status: criteria provided, single submitter. Criteria: Ambry Variant Classification Scheme 2023. Collection method: clinical testing. Allele origin: germline.
Comment: The p.P862R variant (also known as c.2585C>G), located in coding exon 16 of the ATM gene, results from a C to G substitution at nucleotide position 2585. The proline at codon 862 is replaced by arginine, an amino acid with dissimilar properties. This amino acid position is poorly conserved in available vertebrate species. In addition, this alteration is predicted to be tolerated by in silico analysis. Since supporting evidence is limited at this time, the clinical significance of this alteration remains unclear.